The following is an entry in ClinVar:

ClinVar aggregate classification (germline): Conflicting classifications of pathogenicity. Review status: criteria provided, conflicting classifications (1 of 4 stars). 11 submissions from 11 submitters: Uncertain significance (1); Benign (2); Likely benign (7). 1 of the submissions does not count toward it. Last evaluated 2026-06-01.

Conditions:
Hereditary cancer-predisposing syndrome. Also called: Tumor predisposition; Hereditary neoplastic syndrome; Hereditary Cancer Syndrome; Neoplastic Syndromes, Hereditary. Identifiers: Orphanet 140162, MedGen C0027672, MeSH D009386, MONDO:0015356.
Bloom syndrome (BLM). Also called: Bloom-Torre-Machacek syndrome. Identifiers: Orphanet 125, MedGen C0005859, MONDO:0008876, OMIM 210900.

Allele frequency attached by ClinVar (database versions not stated): gnomAD 0.00006; ExAC 0.00007; TOPMed 0.00007; ESP Exome Variant Server 0.00008.
gnomAD v4.1: 95 of 1,614,004 alleles (0.0059%); highest among the groups gnomAD compares: Middle Eastern, 0.23%; 1 homozygote.

Submissions (11):

CeGaT Center for Human Genetics Tuebingen
Classification: Likely benign. Last evaluated: 2026-06-01. Review status: criteria provided, single submitter. Criteria: CeGaT Center For Human Genetics Tuebingen Variant Classification Criteria Version 2. Collection method: clinical testing. Allele origin: germline. Affected: yes. Observed: 6 variant alleles.
Comment: BLM: BP4, BP7

Labcorp Genetics (formerly Invitae), Labcorp
Classification: Benign for Bloom syndrome. Last evaluated: 2026-01-25. Review status: criteria provided, single submitter. Criteria: Invitae Variant Classification Sherloc (09022015). Collection method: clinical testing. Allele origin: germline.

Mayo Clinic Laboratories, Mayo Clinic
Classification: Likely benign. Last evaluated: 2025-08-22. Review status: criteria provided, single submitter. Criteria: ACMG Guidelines, 2015. Collection method: clinical testing. Allele origin: germline. Observed: 1 variant allele.
Comment: BP4, BP7

Blueprint Genetics
Classification: Likely benign. Last evaluated: 2024-10-02. Review status: criteria provided, single submitter. Criteria: ACMG Guidelines, 2015. Collection method: clinical testing. Allele origin: germline.

KCCC/NGS Laboratory, Kuwait Cancer Control Center
Classification: Benign for Bloom syndrome. Last evaluated: 2023-07-07. Review status: criteria provided, single submitter. Criteria: ACMG Guidelines, 2015. Collection method: clinical testing. Allele origin: germline. Affected: yes.

Sema4
Classification: Likely benign for Hereditary cancer-predisposing syndrome. Last evaluated: 2021-11-23. Review status: criteria provided, single submitter. Criteria: Sema4 Curation Guidelines. Collection method: curation. Allele origin: germline.

Pars Genome Lab
Classification: Likely benign for Bloom syndrome. Last evaluated: 2021-05-18. Review status: criteria provided, single submitter. Criteria: ACMG Guidelines, 2015. Collection method: clinical testing. Allele origin: germline. Affected: no.

Mendelics
Classification: Likely benign for Bloom syndrome. Last evaluated: 2019-05-28. Review status: criteria provided, single submitter. Criteria: Mendelics Assertion Criteria 2017. Collection method: clinical testing. Allele origin: unknown.

Illumina Laboratory Services, Illumina
Classification: Uncertain significance for Bloom syndrome. Last evaluated: 2018-01-13. Review status: criteria provided, single submitter. Criteria: ICSL Variant Classification Criteria 13 December 2019. Collection method: clinical testing. Allele origin: germline.

Ambry Genetics
Classification: Likely benign for Hereditary cancer-predisposing syndrome. Last evaluated: 2017-03-14. Review status: criteria provided, single submitter. Criteria: Ambry Variant Classification Scheme 2023. Collection method: clinical testing. Allele origin: germline.

Natera, Inc.
Classification: Likely benign for Bloom syndrome. Last evaluated: 2018-07-21. Review status: no assertion criteria provided. Collection method: clinical testing. Allele origin: germline. Not counted in ClinVar's aggregate classification.

NM_000057.4(BLM):c.2898C>G (p.Leu966=)

Gene: BLM (BLM RecQ like helicase; plus strand). Cytogenetic location: 15q26.1.
Variant type: single nucleotide variant.
Coding change: c.2898C>G on transcript NM_000057.4 (MANE Select); coding-DNA position 2898, C replaced by G.
Protein change: p.Leu966=; no amino-acid change (leucine 966 retained).
Molecular consequence: synonymous variant.
Genome position (GRCh38, 1-based): chr15:90,790,723, C>G. VCF-style: chr15-90790723-C-G. GRCh37 (hg19) VCF-style: chr15-91333953-C-G.
Other names: p.Leu966=; c.2898C>G, p.Leu966= (NM_001287246.2, NM_001287247.2); c.1773C>G, p.Leu591= (NM_001287248.2); c.2898C>G (LRG_20t1).
Identifiers: ClinVar variation 413298 (VCV000413298.55), dbSNP rs201220226, ClinGen allele CA7738894.